The following is an entry in ClinVar:

ClinVar aggregate classification (germline): Conflicting classifications of pathogenicity. Review status: criteria provided, conflicting classifications (1 of 4 stars). 3 submissions from 3 submitters: Uncertain significance (2); Likely benign (1). Last evaluated 2025-06-06.

Conditions:
Hereditary cancer-predisposing syndrome. Also called: Neoplastic Syndromes, Hereditary; Tumor predisposition; Hereditary neoplastic syndrome; Hereditary Cancer Syndrome. Identifiers: Orphanet 140162, MedGen C0027672, MeSH D009386, MONDO:0015356.
Multiple endocrine neoplasia, type 2 (MEN2). Identifiers: Orphanet 653, MedGen C4048306, MONDO:0019003. Disease mechanism: gain of function.

Submissions (3):

Ambry Genetics
Classification: Uncertain significance for Hereditary cancer-predisposing syndrome. Last evaluated: 2025-06-06. Review status: criteria provided, single submitter. Criteria: Ambry Variant Classification Scheme 2023. Collection method: clinical testing. Allele origin: germline.
Comment: The c.2802-3C>T intronic variant results from a C to T substitution 3 nucleotides upstream from coding exon 17 in the RET gene. This nucleotide position is not well conserved in available vertebrate species. In silico splice site analysis predicts that this alteration will not have any significant effect on splicing. Based on the available evidence, the clinical significance of this variant remains unclear.

Labcorp Genetics (formerly Invitae), Labcorp
Classification: Uncertain significance for Multiple endocrine neoplasia, type 2. Last evaluated: 2024-08-15. Review status: criteria provided, single submitter. Criteria: Invitae Variant Classification Sherloc (09022015). Collection method: clinical testing. Allele origin: germline.
Comment: This sequence change falls in intron 16 of the RET gene. It does not directly change the encoded amino acid sequence of the RET protein. It affects a nucleotide within the consensus splice site. This variant is not present in population databases (gnomAD no frequency). This variant has not been reported in the literature in individuals affected with RET-related conditions. Variants that disrupt the consensus splice site are a relatively common cause of aberrant splicing (PMID: 17576681, 9536098). Algorithms developed to predict the effect of sequence changes on RNA splicing suggest that this variant is not likely to affect RNA splicing. In summary, the available evidence is currently insufficient to determine the role of this variant in disease. Therefore, it has been classified as a Variant of Uncertain Significance.

All of Us Research Program, National Institutes of Health
Classification: Likely benign for Multiple endocrine neoplasia, type 2. Last evaluated: 2023-12-13. Review status: criteria provided, single submitter. Criteria: ACMG Guidelines, 2015. Collection method: clinical testing. Allele origin: germline. Inheritance: Autosomal dominant inheritance. Observed: 1 variant allele, 1 heterozygote.
Comment: This study involves interpretation of variants in research participants for the purpose of population health screening. Participant phenotype was not available at the time of variant classification. Additional details can be found in publication PMID: 35346344, PMCID: PMC8962531

Literature cited by the submitters: PubMed 17576681 (cited by Labcorp Genetics (formerly Invitae), Labcorp); PubMed 9536098 (cited by Labcorp Genetics (formerly Invitae), Labcorp).

NM_020975.6(RET):c.2802-3C>T

Gene: RET (ret proto-oncogene; plus strand). Cytogenetic location: 10q11.21.
Variant type: single nucleotide variant.
Coding change: c.2802-3C>T on transcript NM_020975.6 (MANE Select); 3 bases into the intron before coding-DNA position 2802, C replaced by T.
Molecular consequence: intron variant.
Genome position (GRCh38, 1-based): chr10:43,123,668, C>T. VCF-style: chr10-43123668-C-T. GRCh37 (hg19) VCF-style: chr10-43619116-C-T.
Other names: c.2802-3C>T (NM_020630.7, NM_001406743.1, NM_001406744.1 and 3 more transcripts); c.2667-3C>T (NM_001406765.1, NM_001406763.1); c.2406-3C>T (NM_001406772.1, NM_001406769.1); c.2364-3C>T (NM_001406773.1, NM_001406771.1); c.1905-3C>T (NM_001406782.1, NM_001406780.1, NM_001406779.1 and 1 more transcripts); c.1770-3C>T (NM_001406787.1); c.1785-3C>T (NM_001406785.1); c.2673-3C>T (NM_001406764.1, NM_001406762.1, NM_001406761.1); and 10 more.
Identifiers: ClinVar variation 3074979 (VCV003074979.4), dbSNP rs754733091, ClinGen allele CA2825001671.